The following is an entry in ClinVar:

ClinVar aggregate classification (germline): Likely benign (0 of 4 stars; one submission).

Conditions:
CRISPLD2-related disorder. Also called: CRISPLD2-related condition.

Allele frequency attached by ClinVar (database versions not stated): ExAC 0.00013; 1000 Genomes Project 30x 0.00016; 1000 Genomes Project 0.00020; ESP Exome Variant Server 0.00031.
gnomAD v4.1: 179 of 1,614,184 alleles (0.011%); highest among the groups gnomAD compares: African/African-American, 0.2%; no homozygotes.

Submission:

PreventionGenetics, part of Exact Sciences
Classification: Likely benign for CRISPLD2-related condition. Last evaluated: 2022-07-18. Review status: no assertion criteria provided. Collection method: clinical testing. Allele origin: germline.
Comment: This variant is classified as likely benign based on ACMG/AMP sequence variant interpretation guidelines (Richards et al. 2015 PMID: 25741868, with internal and published modifications).

NM_031476.4(CRISPLD2):c.65G>A (p.Gly22Asp)

Gene: CRISPLD2 (cysteine rich secretory protein LCCL domain containing 2; plus strand). Cytogenetic location: 16q24.1.
Variant type: single nucleotide variant.
Coding change: c.65G>A on transcript NM_031476.4 (MANE Select); coding-DNA position 65, G replaced by A.
Protein change: p.Gly22Asp; replaces glycine 22 with aspartic acid.
Molecular consequence: missense variant.
Genome position (GRCh38, 1-based): chr16:84,838,560, G>A. VCF-style: chr16-84838560-G-A. GRCh37 (hg19) VCF-style: chr16-84872166-G-A.
Other names: short protein forms G22D.
Identifiers: ClinVar variation 3035723 (VCV003035723.2), dbSNP rs147872508, ClinGen allele CA8211327.
Genomic context (GRCh38, chr16:84,838,560, plus strand): 5'-GCTGCGTCCTGGGTGGTGTCATCCCCTTGGGGCTGCTGTTCCTGGTCTGCGGATCCCAAG[G>A]CTACCTCCTGCCCAACGTCACTCTCTTAGAGGAGCTGCTCAGCAAATACCAGCACAACGA-3'
Protein context (NP_113664.1, residues 12-32): GLLFLVCGSQ[Gly22Asp]YLLPNVTLLE